The following is an entry in ClinVar:

NM_004656.4(BAP1):c.34C>G (p.Pro12Ala)

Gene: BAP1 (BRCA1 associated protein 1; minus strand). Cytogenetic location: 3p21.1.
Variant type: single nucleotide variant.
Coding change: c.34C>G on transcript NM_004656.4 (MANE Select); coding-DNA position 34, C replaced by G.
Protein change: p.Pro12Ala; replaces proline 12 with alanine.
Molecular consequence: missense variant.
Genome position (GRCh38, 1-based): chr3:52,409,845, G>C on the plus strand (C>G on the coding strand, the complement: BAP1 is on the minus strand). VCF-style: chr3-52409845-G-C. GRCh37 (hg19) VCF-style: chr3-52443861-G-C.
Other names: short protein forms P12A.
Identifiers: ClinVar variation 1173077 (VCV001173077.5), dbSNP rs2153228682, ClinGen allele CA353115048.

ClinVar aggregate classification (germline): Likely pathogenic. Review status: criteria provided, single submitter (1 of 4 stars). 3 submissions from 3 submitters: Likely pathogenic (1). 2 of the submissions do not count toward it. Last evaluated 2022-03-02.

Conditions:
Kury-Isidor syndrome (KURIS). Identifiers: MedGen C5676925, MONDO:0859230, OMIM 619762.
Neurodevelopmental disorder. Identifiers: MedGen C1535926, MeSH D065886, MONDO:0700092.

Submissions (3):

GeneDx
Classification: Likely pathogenic. Last evaluated: 2022-03-02. Review status: criteria provided, single submitter. Criteria: GeneDx Variant Classification Process June 2021. Collection method: clinical testing. Allele origin: germline. Affected: yes.
Comment: Published functional studies are inconclusive: deubiquitinase activity and subcellular localization comparable to wild-type, but impaired transciptional regulation (Kry 2022); In silico analysis, which includes protein predictors and evolutionary conservation, supports a deleterious effect; Not observed at significant frequency in large population cohorts (gnomAD); This variant is associated with the following publications: (PMID: 35051358)

OMIM
Classification: Pathogenic for KURY-ISIDOR SYNDROME. Last evaluated: 2022-02-24. Review status: no assertion criteria provided. Collection method: literature only. Allele origin: germline. Not counted in ClinVar's aggregate classification.

Laboratory of Molecular Genetics (Pr. Bezieau's lab), CHU de Nantes
Classification: Pathogenic for Neurodevelopmental disorder. Last evaluated: 2021-06-22. Review status: no assertion criteria provided. Collection method: research. Allele origin: de novo. Affected: yes. Not counted in ClinVar's aggregate classification.

Literature cited by the submitters: PubMed 35051358 (cited by OMIM).